The following is an entry in ClinVar:

NM_052947.4(ALPK2):c.1963G>A (p.Val655Ile)

Gene: ALPK2 (alpha kinase 2; minus strand). Cytogenetic location: 18q21.31.
Variant type: single nucleotide variant.
Coding change: c.1963G>A on transcript NM_052947.4 (MANE Select); coding-DNA position 1963, G replaced by A.
Protein change: p.Val655Ile; replaces valine 655 with isoleucine.
Molecular consequence: missense variant.
Genome position (GRCh38, 1-based): chr18:58,538,224, C>T on the plus strand (G>A on the coding strand, the complement: ALPK2 is on the minus strand). VCF-style: chr18-58538224-C-T. GRCh37 (hg19) VCF-style: chr18-56205456-C-T.
Other names: short protein forms V655I.
Identifiers: ClinVar variation 2564092 (VCV002564092.2), dbSNP rs2518878326, ClinGen allele CA402572010.
Genomic context (GRCh38, chr18:58,538,224, plus strand): 5'-CTGAGAAAGCTGGCATCTGGCTGCAAGAGATTGTCTCTCTGACTGTTTCCTGAACTTGTA[C>T]CTAGGAAGATGAAAAGTGATATTAGTAGAATTGTTCATGGGAGAGCCCACAATAGGGCAT-3'
Protein context (NP_443179.3, residues 645-665): QVPDWSDPPQ[Val655Ile]QVQETVRETI

ClinVar aggregate classification (germline): Uncertain significance (1 of 4 stars; one submission).

gnomAD v4.1: 2 of 1,606,214 alleles (0.00012%); highest among the groups gnomAD compares: Non-Finnish European, 0.00017%; no homozygotes.

Submission:

Ambry Genetics
Classification: Uncertain significance. Last evaluated: 2023-05-27. Review status: criteria provided, single submitter. Criteria: Ambry Variant Classification Scheme 2023. Collection method: clinical testing. Allele origin: germline.
Comment: The p.V655I variant (also known as c.1963G>A) is located in coding exon 4 of the ALPK2 gene. The valine at codon 655 is replaced by isoleucine, an amino acid with highly similar properties. This change occurs in the first base pair of coding exon 4. This amino acid position is conserved. In addition, this alteration is predicted to be tolerated by in silico analysis. Since supporting evidence is limited at this time, the clinical significance of this alteration remains unclear.